The following is an entry in ClinVar:

NM_000163.5(GHR):c.33A>G (p.Ala11=)

Gene: GHR (growth hormone receptor; plus strand). Cytogenetic location: 5p12.
Variant type: single nucleotide variant.
Coding change: c.33A>G on transcript NM_000163.5 (MANE Select); coding-DNA position 33, A replaced by G.
Protein change: p.Ala11=; no amino-acid change (alanine 11 retained).
Molecular consequence: synonymous variant.
Genome position (GRCh38, 1-based): chr5:42,565,907, A>G. VCF-style: chr5-42565907-A-G. GRCh37 (hg19) VCF-style: chr5-42566009-A-G.
Other names: c.54A>G, p.Ala18= (NM_001242399.2); c.33A>G, p.Ala11= (NM_001242400.2, NM_001242401.4, NM_001242402.2 and 6 more transcripts).
Identifiers: ClinVar variation 3630011 (VCV003630011.1).
Genomic context (GRCh38, chr5:42,565,907, plus strand): 5'-CCTTTTTGTGATTGCAGGTCCTACAGGTATGGATCTCTGGCAGCTGCTGTTGACCTTGGC[A>G]CTGGCAGGATCAAGTGATGCTTTTTCTGGAAGTGAGGGTGAGTTCTGCTTTTCCATTTCC-3'
Protein context (NP_000154.1, residues 1-21): MDLWQLLLTL[Ala11=]LAGSSDAFSG

ClinVar aggregate classification (germline): Likely benign (1 of 4 stars; one submission).

gnomAD v4.1: 1 of 1,614,086 alleles (0.000062%); highest among the groups gnomAD compares: Non-Finnish European, 0.000085%; no homozygotes.

Submission:

Women's Health and Genetics/Laboratory Corporation of America, LabCorp
Classification: Likely benign. Last evaluated: 2024-11-19. Review status: criteria provided, single submitter. Criteria: LabCorp Variant Classification Summary - May 2015. Collection method: clinical testing. Allele origin: germline.
Comment: Variant summary: GHR c.33A>G results in a synonymous change. Consensus agreement among computation tools predict no significant impact on normal splicing. However, these predictions have yet to be confirmed by functional studies. The variant was absent in 251488 control chromosomes. The available data on variant occurrences in the general population are insufficient to allow any conclusion about variant significance. To our knowledge, no occurrence of c.33A>G in individuals affected with Growth Hormone Insensitivity and no experimental evidence demonstrating its impact on protein function have been reported. No submitters have cited clinical-significance assessments for this variant to ClinVar. Based on the evidence outlined above, the variant was classified as likely benign.